The following is an entry in ClinVar:

ClinVar aggregate classification (germline): Uncertain significance (1 of 4 stars; one submission).

Conditions:
Brugada syndrome 8 (BRGDA8). Identifiers: Orphanet 130, MedGen C2751083, MONDO:0013148, OMIM 613123.

Allele frequency attached by ClinVar (database versions not stated): gnomAD exomes below 0.00001.
gnomAD v4.1: 1 of 1,553,652 alleles (0.000064%); highest among the groups gnomAD compares: Non-Finnish European, 0.000087%; no homozygotes.

Submission:

Labcorp Genetics (formerly Invitae), Labcorp
Classification: Uncertain significance for Brugada syndrome 8. Last evaluated: 2022-08-23. Review status: criteria provided, single submitter. Criteria: Invitae Variant Classification Sherloc (09022015). Collection method: clinical testing. Allele origin: germline.
Comment: In summary, the available evidence is currently insufficient to determine the role of this variant in disease. Therefore, it has been classified as a Variant of Uncertain Significance. Advanced modeling of protein sequence and biophysical properties (such as structural, functional, and spatial information, amino acid conservation, physicochemical variation, residue mobility, and thermodynamic stability) performed at Invitae indicates that this missense variant is not expected to disrupt HCN4 protein function. ClinVar contains an entry for this variant (Variation ID: 240170). This variant has not been reported in the literature in individuals affected with HCN4-related conditions. This variant is not present in population databases (gnomAD no frequency). This sequence change replaces arginine, which is basic and polar, with glycine, which is neutral and non-polar, at codon 1103 of the HCN4 protein (p.Arg1103Gly).

NM_005477.3(HCN4):c.3307A>G (p.Arg1103Gly)

Gene: HCN4 (hyperpolarization activated cyclic nucleotide gated potassium channel 4; minus strand). Cytogenetic location: 15q24.1.
Variant type: single nucleotide variant.
Coding change: c.3307A>G on transcript NM_005477.3 (MANE Select); coding-DNA position 3307, A replaced by G.
Protein change: p.Arg1103Gly; replaces arginine 1103 with glycine.
Molecular consequence: missense variant.
Genome position (GRCh38, 1-based): chr15:73,322,786, T>C on the plus strand (A>G on the coding strand, the complement: HCN4 is on the minus strand). VCF-style: chr15-73322786-T-C. GRCh37 (hg19) VCF-style: chr15-73615127-T-C.
Other names: short protein forms R1103G.
Identifiers: ClinVar variation 240170 (VCV000240170.6), dbSNP rs878854774, ClinGen allele CA10583260.